The following is an entry in ClinVar:

ClinVar aggregate classification (germline): Uncertain significance (1 of 4 stars; one submission).

Conditions:
Primary ciliary dyskinesia. Also called: Ciliary dyskinesia. Identifiers: Orphanet 244, MedGen C0008780, MONDO:0016575, HP:0012265.

Submission:

Ambry Genetics
Classification: Uncertain significance for Primary ciliary dyskinesia. Last evaluated: 2025-06-22. Review status: criteria provided, single submitter. Criteria: Ambry Variant Classification Scheme 2023. Collection method: clinical testing. Allele origin: germline.
Comment: The p.M1912I variant (also known as c.5736G>A), located in coding exon 33 of the DNAH11 gene, results from a G to A substitution at nucleotide position 5736. The methionine at codon 1912 is replaced by isoleucine, an amino acid with highly similar properties. This amino acid position is conserved. In addition, this alteration is predicted to be tolerated by in silico analysis. Based on the available evidence, the clinical significance of this variant remains unclear.

NM_001277115.2(DNAH11):c.5736G>A (p.Met1912Ile)

Gene: DNAH11 (dynein axonemal heavy chain 11; plus strand). Cytogenetic location: 7p15.3.
Variant type: single nucleotide variant.
Coding change: c.5736G>A on transcript NM_001277115.2 (MANE Select); coding-DNA position 5736, G replaced by A.
Protein change: p.Met1912Ile; replaces methionine 1912 with isoleucine.
Molecular consequence: missense variant.
Genome position (GRCh38, 1-based): chr7:21,687,213, G>A. VCF-style: chr7-21687213-G-A. GRCh37 (hg19) VCF-style: chr7-21726831-G-A.
Other names: short protein forms M1912I.
Identifiers: ClinVar variation 4241996 (VCV004241996.1).